The following is an entry in ClinVar:

NM_003803.4(MYOM1):c.4390A>C (p.Thr1464Pro)

Gene: MYOM1 (myomesin 1; minus strand). Cytogenetic location: 18p11.31.
Variant type: single nucleotide variant.
Coding change: c.4390A>C on transcript NM_003803.4 (MANE Select); coding-DNA position 4390, A replaced by C.
Protein change: p.Thr1464Pro; replaces threonine 1464 with proline.
Molecular consequence: missense variant.
Genome position (GRCh38, 1-based): chr18:3,083,883, T>G on the plus strand (A>C on the coding strand, the complement: MYOM1 is on the minus strand). VCF-style: chr18-3083883-T-G. GRCh37 (hg19) VCF-style: chr18-3083881-T-G.
Other names: c.4102A>C, p.Thr1368Pro (NM_019856.2); c.4390A>C (NM_003803.3); short protein forms T1464P, T1368P.
Identifiers: ClinVar variation 1038933 (VCV001038933.9), dbSNP rs755587149, ClinGen allele CA8873949.

ClinVar aggregate classification (germline): Uncertain significance. Review status: criteria provided, multiple submitters, no conflicts (2 of 4 stars). 2 submissions from 2 submitters: Uncertain significance (2). Last evaluated 2024-10-08.

Conditions:
Hypertrophic cardiomyopathy. Also called: HYPERTROPHIC MYOCARDIOPATHY. Identifiers: Orphanet 217569, MedGen C0007194, MeSH D002312, MONDO:0005045, HP:0001639.

Allele frequency attached by ClinVar (database versions not stated): gnomAD exomes 0.00001; ExAC 0.00003; gnomAD 0.00003; TOPMed 0.00003.
gnomAD v4.1: 50 of 1,580,954 alleles (0.0032%); highest among the groups gnomAD compares: Non-Finnish European, 0.004%; no homozygotes.

Submissions (2):

Ambry Genetics
Classification: Uncertain significance. Last evaluated: 2024-10-08. Review status: criteria provided, single submitter. Criteria: Ambry Variant Classification Scheme 2023. Collection method: clinical testing. Allele origin: germline.
Comment: The p.T1464P variant (also known as c.4390A>C), located in coding exon 32 of the MYOM1 gene, results from an A to C substitution at nucleotide position 4390. The threonine at codon 1464 is replaced by proline, an amino acid with highly similar properties. This amino acid position is conserved. In addition, the in silico prediction for this alteration is inconclusive. Based on the available evidence, the clinical significance of this variant remains unclear.

Labcorp Genetics (formerly Invitae), Labcorp
Classification: Uncertain significance for Hypertrophic cardiomyopathy. Last evaluated: 2023-12-06. Review status: criteria provided, single submitter. Criteria: Invitae Variant Classification Sherloc (09022015). Collection method: clinical testing. Allele origin: germline.
Comment: This sequence change replaces threonine, which is neutral and polar, with proline, which is neutral and non-polar, at codon 1464 of the MYOM1 protein (p.Thr1464Pro). This variant is present in population databases (rs755587149, gnomAD 0.002%). This variant has not been reported in the literature in individuals affected with MYOM1-related conditions. ClinVar contains an entry for this variant (Variation ID: 1038933). Advanced modeling of protein sequence and biophysical properties (such as structural, functional, and spatial information, amino acid conservation, physicochemical variation, residue mobility, and thermodynamic stability) has been performed at Invitae for this missense variant, however the output from this modeling did not meet the statistical confidence thresholds required to predict the impact of this variant on MYOM1 protein function. In summary, the available evidence is currently insufficient to determine the role of this variant in disease. Therefore, it has been classified as a Variant of Uncertain Significance.